The following is an entry in ClinVar:

NM_006258.4(PRKG1):c.958G>C (p.Val320Leu)

Gene: PRKG1 (protein kinase cGMP-dependent 1; plus strand). Cytogenetic location: 10q21.1.
Variant type: single nucleotide variant.
Coding change: c.958G>C on transcript NM_006258.4 (MANE Select); coding-DNA position 958, G replaced by C.
Protein change: p.Val320Leu; replaces valine 320 with leucine.
Molecular consequence: missense variant. On other transcripts: 5 prime UTR variant (1).
Genome position (GRCh38, 1-based): chr10:52,133,862, G>C. VCF-style: chr10-52133862-G-C. GRCh37 (hg19) VCF-style: chr10-53893622-G-C.
Other names: c.913G>C, p.Val305Leu (NM_001098512.3); c.-252G>C (NM_001374781.1); short protein forms V305L, V320L.
Identifiers: ClinVar variation 2572885 (VCV002572885.3), dbSNP rs768491086, ClinGen allele CA376534327.

ClinVar aggregate classification (germline): Uncertain significance. Review status: criteria provided, multiple submitters, no conflicts (2 of 4 stars). 2 submissions from 2 submitters: Uncertain significance (2). Last evaluated 2024-12-03.

Conditions:
Aortic aneurysm, familial thoracic 8 (AAT8). Identifiers: MedGen C3809513, MONDO:0014187, OMIM 615436.

Allele frequency attached by ClinVar (database versions not stated): gnomAD 0.00001.
gnomAD v4.1: 1 of 1,612,956 alleles (0.000062%); highest among the groups gnomAD compares: Non-Finnish European, 0.000085%; no homozygotes.

Submissions (2):

Labcorp Genetics (formerly Invitae), Labcorp
Classification: Uncertain significance for Aortic aneurysm, familial thoracic 8. Last evaluated: 2024-12-03. Review status: criteria provided, single submitter. Criteria: Invitae Variant Classification Sherloc (09022015). Collection method: clinical testing. Allele origin: germline.
Comment: This sequence change replaces valine, which is neutral and non-polar, with leucine, which is neutral and non-polar, at codon 320 of the PRKG1 protein (p.Val320Leu). This variant is not present in population databases (gnomAD no frequency). This variant has not been reported in the literature in individuals affected with PRKG1-related conditions. ClinVar contains an entry for this variant (Variation ID: 2572885). An algorithm developed to predict the effect of missense changes on protein structure and function (PolyPhen-2) suggests that this variant is likely to be tolerated. In summary, the available evidence is currently insufficient to determine the role of this variant in disease. Therefore, it has been classified as a Variant of Uncertain Significance.

GeneDx
Classification: Uncertain significance. Last evaluated: 2023-01-13. Review status: criteria provided, single submitter. Criteria: GeneDx Variant Classification Process June 2021. Collection method: clinical testing. Allele origin: germline. Affected: yes.
Comment: Has not been previously published as pathogenic or benign to our knowledge; Not observed at significant frequency in large population cohorts (gnomAD); In silico analysis supports that this missense variant does not alter protein structure/function